The following is an entry in ClinVar:

NM_000548.5(TSC2):c.2031C>G (p.Pro677=)

Gene: TSC2 (TSC complex subunit 2; plus strand). Cytogenetic location: 16p13.3.
Variant type: single nucleotide variant.
Coding change: c.2031C>G on transcript NM_000548.5 (MANE Select); coding-DNA position 2031, C replaced by G.
Protein change: p.Pro677=; no amino-acid change (proline 677 retained).
Molecular consequence: synonymous variant.
Genome position (GRCh38, 1-based): chr16:2,071,868, C>G. VCF-style: chr16-2071868-C-G. GRCh37 (hg19) VCF-style: chr16-2121869-C-G.
Other names: c.2031C>G (NM_000548.3); c.2031C>G, p.Pro677= (NM_001077183.3, NM_001114382.3, NM_001363528.2 and 3 more transcripts); c.1920C>G, p.Pro640= (NM_001318827.2); c.1884C>G, p.Pro628= (NM_001318829.2); c.1431C>G, p.Pro477= (NM_001318831.2); c.2064C>G, p.Pro688= (NM_001318832.2).
Identifiers: ClinVar variation 1089275 (VCV001089275.11), dbSNP rs45517208, ClinGen allele CA493042596.

ClinVar aggregate classification (germline): Benign/Likely benign. Review status: criteria provided, multiple submitters, no conflicts (2 of 4 stars). 3 submissions from 3 submitters: Benign (1); Likely benign (2). Last evaluated 2025-09-19.

Conditions:
Tuberous sclerosis 2 (TSC2). Identifiers: Orphanet 805, MedGen C1860707, MONDO:0013199, OMIM 613254.
Hereditary cancer-predisposing syndrome. Also called: Tumor predisposition; Neoplastic Syndromes, Hereditary; Hereditary Cancer Syndrome; Hereditary neoplastic syndrome. Identifiers: Orphanet 140162, MedGen C0027672, MeSH D009386, MONDO:0015356.

Submissions (3):

Ambry Genetics
Classification: Likely benign for Hereditary cancer-predisposing syndrome. Last evaluated: 2025-09-19. Review status: criteria provided, single submitter. Criteria: Ambry Variant Classification Scheme 2023. Collection method: clinical testing. Allele origin: germline.

Myriad Genetics, Inc.
Classification: Benign for Tuberous sclerosis 2. Last evaluated: 2025-05-16. Review status: criteria provided, single submitter. Criteria: Myriad Autosomal Dominant, Autosomal Recessive and X-Linked Classification Criteria (2023). Collection method: clinical testing. Allele origin: unknown.
Comment: This variant is considered benign. This variant is a silent/synonymous amino acid change and it is not expected to impact splicing.

Labcorp Genetics (formerly Invitae), Labcorp
Classification: Likely benign for Tuberous sclerosis 2. Last evaluated: 2024-10-30. Review status: criteria provided, single submitter. Criteria: Invitae Variant Classification Sherloc (09022015). Collection method: clinical testing. Allele origin: germline.